The following is an entry in ClinVar:

ClinVar aggregate classification (germline): Uncertain significance. Review status: criteria provided, multiple submitters, no conflicts (2 of 4 stars). 2 submissions from 2 submitters: Uncertain significance (2). Last evaluated 2025-08-03.

Conditions:
Cognitive impairment - coarse facies - heart defects - obesity - pulmonary involvement - short stature - skeletal dysplasia syndrome. Also called: AFF4-Related CHOPS Syndrome; COGNITIVE IMPAIRMENT, COARSE FACIES, HEART DEFECTS, OBESITY, PULMONARY INVOLVEMENT, SHORT STATURE, AND SKELETAL DYSPLASIA; Chops syndrome. Identifiers: Orphanet 444077, MedGen C4085597, MONDO:0014609, OMIM 616368.
Inborn genetic diseases. Identifiers: MedGen C0950123, MeSH D030342.

Allele frequency attached by ClinVar (database versions not stated): gnomAD exomes below 0.00001; gnomAD 0.00001; TOPMed 0.00001; ExAC 0.00002.
gnomAD v4.1: 9 of 1,614,018 alleles (0.00056%); highest among the groups gnomAD compares: African/African-American, 0.0013%; no homozygotes.

Submissions (2):

Ambry Genetics
Classification: Uncertain significance for Inborn genetic diseases. Last evaluated: 2025-08-03. Review status: criteria provided, single submitter. Criteria: Ambry Variant Classification Scheme 2023. Collection method: clinical testing. Allele origin: germline.

Labcorp Genetics (formerly Invitae), Labcorp
Classification: Uncertain significance for Cognitive impairment - coarse facies - heart defects - obesity - pulmonary involvement - short stature - skeletal dysplasia syndrome. Last evaluated: 2024-10-05. Review status: criteria provided, single submitter. Criteria: Invitae Variant Classification Sherloc (09022015). Collection method: clinical testing. Allele origin: germline.
Comment: This sequence change replaces proline, which is neutral and non-polar, with arginine, which is basic and polar, at codon 521 of the AFF4 protein (p.Pro521Arg). This variant is present in population databases (rs752818977, gnomAD 0.004%). This variant has not been reported in the literature in individuals affected with AFF4-related conditions. ClinVar contains an entry for this variant (Variation ID: 2428182). Invitae Evidence Modeling of protein sequence and biophysical properties (such as structural, functional, and spatial information, amino acid conservation, physicochemical variation, residue mobility, and thermodynamic stability) indicates that this missense variant is not expected to disrupt AFF4 protein function with a negative predictive value of 80%. In summary, the available evidence is currently insufficient to determine the role of this variant in disease. Therefore, it has been classified as a Variant of Uncertain Significance.

NM_014423.4(AFF4):c.1562C>G (p.Pro521Arg)

Gene: AFF4 (ALF transcription elongation factor 4; minus strand). Cytogenetic location: 5q31.1.
Variant type: single nucleotide variant.
Coding change: c.1562C>G on transcript NM_014423.4 (MANE Select); coding-DNA position 1562, C replaced by G.
Protein change: p.Pro521Arg; replaces proline 521 with arginine.
Molecular consequence: missense variant.
Genome position (GRCh38, 1-based): chr5:132,897,068, G>C on the plus strand (C>G on the coding strand, the complement: AFF4 is on the minus strand). VCF-style: chr5-132897068-G-C. GRCh37 (hg19) VCF-style: chr5-132232760-G-C.
Other names: c.1562C>G (NM_014423.3); short protein forms P521R.
Identifiers: ClinVar variation 2428182 (VCV002428182.7), dbSNP rs752818977, ClinGen allele CA3409071.